The following is an entry in ClinVar:

ClinVar aggregate classification (germline): Pathogenic. Review status: criteria provided, multiple submitters, no conflicts (2 of 4 stars). 2 submissions from 2 submitters: Pathogenic (2). Last evaluated 2022-02-21.

Conditions:
Galactosylceramide beta-galactosidase deficiency. Also called: Leukodystrophy, Globoid Cell; GALACTOCEREBROSIDASE DEFICIENCY; GALC DEFICIENCY; GLOBOID CELL LEUKOENCEPHALOPATHY; Krabbe Disease. Identifiers: Orphanet 487, MedGen C0023521, MONDO:0009499, OMIM 245200.

Submissions (2):

Labcorp Genetics (formerly Invitae), Labcorp
Classification: Pathogenic for Galactosylceramide beta-galactosidase deficiency. Last evaluated: 2022-02-21. Review status: criteria provided, single submitter. Criteria: Invitae Variant Classification Sherloc (09022015). Collection method: clinical testing. Allele origin: germline.
Comment: This sequence change creates a premature translational stop signal (p.Lys359Alafs*3) in the GALC gene. It is expected to result in an absent or disrupted protein product. Loss-of-function variants in GALC are known to be pathogenic (PMID: 7437911, 9272171, 16607461). This variant is not present in population databases (gnomAD no frequency). This premature translational stop signal has been observed in individual(s) with Krabbe disease (PMID: 20886637). ClinVar contains an entry for this variant (Variation ID: 449484). For these reasons, this variant has been classified as Pathogenic.

GeneDx
Classification: Pathogenic. Last evaluated: 2017-06-30. Review status: criteria provided, single submitter. Criteria: GeneDx Variant Classification (06012015). Collection method: clinical testing. Allele origin: germline. Affected: yes.
Comment: The c.1075_1084del10 variant has been published, using alternate nomenclature, in a patient with Krabbe disease who also harbored another pathogenic variant in the GALC gene (Wenger et al. 1997). The c.1075_1084del10 variant is not observed in large population cohorts (Lek et al., 2016; 1000 Genomes Consortium et al., 2015; Exome Variant Server). The c.1075_1084del10 variant causes a frameshift starting with codon Lysine 359, changes this amino acid to an Alanine residue and creates a premature Stop codon at position 3 of the new reading frame, denoted p.Lys359AlafsX3. This variant is predicted to cause loss of normal protein function either through protein truncation or nonsense-mediated mRNA decay. In summary, we interpret this variant as pathogenic.

Literature cited by the submitters: PubMed 7437911 (cited by Labcorp Genetics (formerly Invitae), Labcorp); PubMed 9272171 (cited by Labcorp Genetics (formerly Invitae), Labcorp); PubMed 16607461 (cited by Labcorp Genetics (formerly Invitae), Labcorp); PubMed 20886637 (cited by Labcorp Genetics (formerly Invitae), Labcorp).

NM_000153.4(GALC):c.1075_1084del (p.Lys359fs)

Gene: GALC (galactosylceramidase; minus strand). Cytogenetic location: 14q31.3.
Variant type: Deletion.
Coding change: c.1075_1084del on transcript NM_000153.4 (MANE Select); coding-DNA positions 1075 to 1084, 10 bases deleted (AAGACAGTTG; older notation c.1075_1084delAAGACAGTTG).
Protein change: p.Lys359fs; shifts the reading frame from lysine 359.
Molecular consequence: frameshift variant.
Genome position (GRCh38, 1-based): chr14:87,963,461-87,963,470, CAACTGTCTT deleted on the plus strand (AAGACAGTTG on the coding strand, the reverse complement: GALC is on the minus strand); deleting any 10 consecutive bases within chr14:87,963,461-87,963,472 gives the same sequence; the c. name uses the placement nearest the transcript's 3' end. VCF-style (leftmost placement, unchanged base first): chr14-87963460-CCAACTGTCTT-C. GRCh37 (hg19) VCF-style: chr14-88429804-CCAACTGTCTT-C.
Other names: c.1006_1015del, p.Lys336fs (NM_001201401.2); c.997_1006del, p.Lys333fs (NM_001201402.2); short protein forms K359fs, K333fs, K336fs.
Identifiers: ClinVar variation 449484 (VCV000449484.7), dbSNP rs1555381439, ClinGen allele CA658658266.